The following is an entry in ClinVar:

ClinVar aggregate classification (germline): Pathogenic/Likely pathogenic. Review status: criteria provided, multiple submitters, no conflicts (2 of 4 stars). 2 submissions from 2 submitters: Pathogenic (1); Likely pathogenic (1). Last evaluated 2024-04-29.

Conditions:
VPS13A-related neurodegenerative disease. Also called: VPS13A Disease; LEVINE-CRITCHLEY SYNDROME; Choreoacanthocytosis; Chorea-acanthocytosis; ACANTHOCYTOSIS WITH NEUROLOGIC DISORDER; Choreaacanthocytosis. Identifiers: Orphanet 2388, MedGen C0393576, MONDO:0008695, OMIM 200150.

Submissions (2):

Natera, Inc.
Classification: Likely pathogenic for Choreaacanthocytosis. Last evaluated: 2024-04-29. Review status: criteria provided, single submitter. Criteria: Natera Variant Classification Schema (03/2026). Collection method: clinical testing. Allele origin: germline.
Comment: The c.6877C>T variant in VPS13A is a nonsense variant predicted to introduce a stop codon at amino acid 2293. This variant is expected to result in nonsense mediated decay, truncation, or a dysfunctional protein product. This variant is rare in the general population with a frequency below the threshold expected for the associated phenotype(s). Given the available evidence, this variant is classified as Likely Pathogenic.

Labcorp Genetics (formerly Invitae), Labcorp
Classification: Pathogenic. Last evaluated: 2023-01-01. Review status: criteria provided, single submitter. Criteria: Invitae Variant Classification Sherloc (09022015). Collection method: clinical testing. Allele origin: germline.
Comment: This sequence change creates a premature translational stop signal (p.Gln2293*) in the VPS13A gene. It is expected to result in an absent or disrupted protein product. Loss-of-function variants in VPS13A are known to be pathogenic (PMID: 12404112, 21598378). This variant is not present in population databases (gnomAD no frequency). This variant has not been reported in the literature in individuals affected with VPS13A-related conditions. ClinVar contains an entry for this variant (Variation ID: 1382001). For these reasons, this variant has been classified as Pathogenic.

Literature cited by the submitters: PubMed 12404112 (cited by Labcorp Genetics (formerly Invitae), Labcorp); PubMed 21598378 (cited by Labcorp Genetics (formerly Invitae), Labcorp).

NM_033305.3(VPS13A):c.6877C>T (p.Gln2293Ter)

Gene: VPS13A (vacuolar protein sorting 13 homolog A; plus strand). Cytogenetic location: 9q21.2.
Variant type: single nucleotide variant.
Coding change: c.6877C>T on transcript NM_033305.3 (MANE Select); coding-DNA position 6877, C replaced by T.
Protein change: p.Gln2293Ter; replaces glutamine 2293 with a stop codon.
Molecular consequence: nonsense.
Genome position (GRCh38, 1-based): chr9:77,340,280, C>T. VCF-style: chr9-77340280-C-T. GRCh37 (hg19) VCF-style: chr9-79955196-C-T.
Other names: c.6760C>T, p.Gln2254Ter (NM_001018037.2); c.6877C>T, p.Gln2293Ter (NM_001018038.3, NM_015186.4); c.6877C>T (NM_033305.2); short protein forms Q2254*, Q2293*.
Identifiers: ClinVar variation 1382001 (VCV001382001.7), dbSNP rs2131507600, ClinGen allele CA373851828.
Genomic context (GRCh38, chr9:77,340,280, plus strand): 5'-TCAATTGATACTGTTGGTAGTCATGGAGCTGTTAAATGTAAAGGCCTGAAAATGGACTAT[C>T]AAGTGAGTTCATTCTATGCTTATCAAGAAACTTTTATTTTAAATGTTTCTATTAACTACT-3'